The following is an entry in ClinVar:

ClinVar aggregate classification (germline): Benign (1 of 4 stars; one submission).

Conditions:
Hereditary spastic paraplegia 6 (SPG6). Also called: SPASTIC PARAPLEGIA 6, AUTOSOMAL DOMINANT. Identifiers: Orphanet 100988, MedGen C1838192, MONDO:0010878, OMIM 600363.

Allele frequency attached by ClinVar (database versions not stated): 1000 Genomes Project 30x 0.00172; 1000 Genomes Project 0.00180; gnomAD 0.00240 and 0.00260; TOPMed 0.00251.

Submission:

Illumina Laboratory Services, Illumina
Classification: Benign for Hereditary spastic paraplegia 6. Last evaluated: 2018-01-13. Review status: criteria provided, single submitter. Criteria: ICSL Variant Classification Criteria 13 December 2019. Collection method: clinical testing. Allele origin: germline.
Comment: This variant was observed in the ICSL laboratory as part of a predisposition screen in an ostensibly healthy population. It had not been previously curated by ICSL or reported in the Human Gene Mutation Database (HGMD: prior to June 1st, 2018), and was therefore a candidate for classification through an automated scoring system. Utilizing variant allele frequency, disease prevalence and penetrance estimates, and inheritance mode, an automated score was calculated to assess if this variant is too frequent to cause the disease. Based on the score and internal cut-off values, a variant classified as benign is not then subjected to further curation. The score for this variant resulted in a classification of benign for this disease.

NM_144599.5(NIPA1):c.*4218G>A

Gene: NIPA1 (NIPA magnesium transporter 1; plus strand). Cytogenetic location: 15q11.2.
Variant type: single nucleotide variant.
Coding change: c.*4218G>A on transcript NM_144599.5 (MANE Select); 4218 bases downstream of the stop codon, G replaced by A.
Molecular consequence: 3 prime UTR variant.
Genome position (GRCh38, 1-based): chr15:22,828,457, G>A. VCF-style: chr15-22828457-G-A. GRCh37 (hg19) VCF-style: chr15-23044611-C-T.
Other names: c.*4218G>A (NM_001142275.1).
Identifiers: ClinVar variation 885801 (VCV000885801.4), dbSNP rs182099304, ClinGen allele CA267610760.